The following is an entry in ClinVar:

NM_003995.4(NPR2):c.1636A>T (p.Asn546Tyr)

Gene: NPR2 (natriuretic peptide receptor 2; plus strand). Cytogenetic location: 9p13.3.
Variant type: single nucleotide variant.
Coding change: c.1636A>T on transcript NM_003995.4 (MANE Select); coding-DNA position 1636, A replaced by T.
Protein change: p.Asn546Tyr; replaces asparagine 546 with tyrosine.
Molecular consequence: missense variant.
Genome position (GRCh38, 1-based): chr9:35,802,209, A>T. VCF-style: chr9-35802209-A-T. GRCh37 (hg19) VCF-style: chr9-35802206-A-T.
Other names: c.1645A>T, p.Asn549Tyr (NM_001378923.1); short protein forms N546Y, N549Y.
Identifiers: ClinVar variation 951022 (VCV000951022.10), dbSNP rs138315850, ClinGen allele CA5051770.

ClinVar aggregate classification (germline): Uncertain significance. Review status: criteria provided, multiple submitters, no conflicts (2 of 4 stars). 3 submissions from 3 submitters: Uncertain significance (3). Last evaluated 2025-07-09.

Conditions:
Acromesomelic dysplasia 1, Maroteaux type (AMD1). Also called: ST. HELENA DYSPLASIA; ACROMESOMELIC DYSPLASIA 1. Identifiers: Orphanet 40, MedGen C1864356, MONDO:0011275, OMIM 602875.
Tall stature-scoliosis-macrodactyly of the great toes syndrome. Also called: Epiphyseal chondrodysplasia, miura type. Identifiers: Orphanet 329191, MedGen C4014690, MONDO:0014401, OMIM 615923.
Short stature with nonspecific skeletal abnormalities. Identifiers: MedGen C4225399, MONDO:0975810.
Short stature with nonspecific skeletal abnormalities 1 (SNSK1). Identifiers: MedGen CN379227, MONDO:0014551, OMIM 616255.

Allele frequency attached by ClinVar (database versions not stated): TOPMed 0.00003; gnomAD exomes 0.00007 and 0.00003; ExAC 0.00002; gnomAD 0.00002; ESP Exome Variant Server 0.00008.
gnomAD v4.1: 99 of 1,600,096 alleles (0.0062%); highest among the groups gnomAD compares: Admixed American, 0.0083%; no homozygotes.

Submissions (3):

Labcorp Genetics (formerly Invitae), Labcorp
Classification: Uncertain significance for Tall stature-scoliosis-macrodactyly of the great toes syndrome; Acromesomelic dysplasia 1, Maroteaux type. Last evaluated: 2025-07-09. Review status: criteria provided, single submitter. Criteria: Invitae Variant Classification Sherloc (09022015). Collection method: clinical testing. Allele origin: germline.
Comment: This sequence change replaces asparagine, which is neutral and polar, with tyrosine, which is neutral and polar, at codon 546 of the NPR2 protein (p.Asn546Tyr). This variant is present in population databases (rs138315850, gnomAD 0.006%). This missense change has been observed in individual(s) with NPR2-related conditions (PMID: 26075495, 35741827). ClinVar contains an entry for this variant (Variation ID: 951022). Invitae Evidence Modeling of protein sequence and biophysical properties (such as structural, functional, and spatial information, amino acid conservation, physicochemical variation, residue mobility, and thermodynamic stability) indicates that this missense variant is expected to disrupt NPR2 protein function with a positive predictive value of 80%. Experimental studies are conflicting or provide insufficient evidence to determine the effect of this variant on NPR2 function (PMID: 26075495). In summary, the available evidence is currently insufficient to determine the role of this variant in disease. Therefore, it has been classified as a Variant of Uncertain Significance.

Clinical Genomics Laboratory, Washington University in St. Louis
Classification: Uncertain significance for Short stature with nonspecific skeletal abnormalities 1. Last evaluated: 2023-11-21. Review status: criteria provided, single submitter. Criteria: ACMG Guidelines, 2015. Collection method: clinical testing. Allele origin: germline.
Comment: The NPR2 c.1636A>T (p.Asn546Tyr) variant has been observed in two unrelated individuals diagnosed with dyschondrosteosis and idiopathic short stature (Hisado-Oliva A et al., PMID: 26075495). This variant resides within the kinase homology domain, amino acids 513-786, of NPR2 (Hachiya R et al., PMID:17652215). Functional studies of the variant did not alter cellular localization nor significantly reduce CNP-dependent guanylate cyclase activity, as would be expected if it exerted a dominant negative effect, which is the proposed mechanism underlying the generation of idiopathic short stature (Hisado-Olivia A et al., PMID: 26075495). The highest population minor allele frequency in the population database genome aggregation database (v.2.1.1) is 0.005% in the European Non-Finnish population. Computational predictors are uncertain as to the impact of this variant on NPR2 function. This variant has been reported in the ClinVar database as a variant of uncertain significance by one submitter (ClinVar Variation ID: 951022). Due to conflicting information, and based on ACMG/AMP guidelines for variant interpretation (Richards S et al., PMID: 25741868), the clinical significance of this variant is uncertain at this time.

Department of Pathology and Laboratory Medicine, Sinai Health System
Classification: Uncertain significance for Acromesomelic dysplasia 1, Maroteaux type; Tall stature-scoliosis-macrodactyly of the great toes syndrome; Short stature with nonspecific skeletal abnormalities 1. Last evaluated: 2023-02-01. Review status: criteria provided, single submitter. Criteria: ACMG Guidelines, 2015. Collection method: research. Allele origin: germline.

Literature cited by the submitters: PubMed 26075495 (cited by Labcorp Genetics (formerly Invitae), Labcorp); PubMed 35741827 (cited by Labcorp Genetics (formerly Invitae), Labcorp).